The following is an entry in ClinVar:

NM_000553.6(WRN):c.1351-9T>C

Gene: WRN (WRN RecQ like helicase; plus strand). Cytogenetic location: 8p12.
Variant type: single nucleotide variant.
Coding change: c.1351-9T>C on transcript NM_000553.6 (MANE Select); 9 bases into the intron before coding-DNA position 1351, T replaced by C.
Molecular consequence: intron variant.
Genome position (GRCh38, 1-based): chr8:31,085,157, T>C. VCF-style: chr8-31085157-T-C. GRCh37 (hg19) VCF-style: chr8-30942673-T-C.
Other names: c.1351-9T>C (NM_000553.4).
Identifiers: ClinVar variation 1568987 (VCV001568987.10), dbSNP rs1427993542, ClinGen allele CA580996747.

ClinVar aggregate classification (germline): Likely benign. Review status: criteria provided, single submitter (1 of 4 stars). 2 submissions from 2 submitters: Likely benign (1). 1 of the submissions does not count toward it. Last evaluated 2021-02-06.

Conditions:
Werner syndrome (WRN). Identifiers: Orphanet 902, MedGen C0043119, MONDO:0010196, OMIM 277700.
WRN-related disorder. Also called: WRN-related condition.

Allele frequency attached by ClinVar (database versions not stated): gnomAD exomes below 0.00001.
gnomAD v4.1: 1 of 1,612,560 alleles (0.000062%); highest among the groups gnomAD compares: Non-Finnish European, 0.000085%; no homozygotes.

Submissions (2):

Labcorp Genetics (formerly Invitae), Labcorp
Classification: Likely benign for Werner syndrome. Last evaluated: 2021-02-06. Review status: criteria provided, single submitter. Criteria: Invitae Variant Classification Sherloc (09022015). Collection method: clinical testing. Allele origin: germline.

PreventionGenetics, part of Exact Sciences
Classification: Likely benign for WRN-related condition. Last evaluated: 2019-09-17. Review status: no assertion criteria provided. Collection method: clinical testing. Allele origin: germline. Not counted in ClinVar's aggregate classification.
Comment: This variant is classified as likely benign based on ACMG/AMP sequence variant interpretation guidelines (Richards et al. 2015 PMID: 25741868, with internal and published modifications).